The following is an entry in ClinVar:

NM_020207.7(ERCC6L2):c.1874A>T (p.Asp625Val)

Gene: ERCC6L2 (ERCC excision repair 6 like 2; plus strand). Cytogenetic location: 9q22.32.
Variant type: single nucleotide variant.
Coding change: c.1874A>T on transcript NM_020207.7 (MANE Select); coding-DNA position 1874, A replaced by T.
Protein change: p.Asp625Val; replaces aspartic acid 625 with valine.
Molecular consequence: missense variant. On other transcripts: non-coding transcript variant (1).
Genome position (GRCh38, 1-based): chr9:95,955,940, A>T. VCF-style: chr9-95955940-A-T. GRCh37 (hg19) VCF-style: chr9-98718222-A-T.
Other names: c.1874A>T, p.Asp625Val (NM_001010895.4, NM_001375291.1, NM_001375292.1 and 2 more transcripts); short protein forms D625V.
Identifiers: ClinVar variation 4250600 (VCV004250600.1).

ClinVar aggregate classification (germline): Uncertain significance (1 of 4 stars; one submission).

Conditions:
Inborn genetic diseases. Identifiers: MedGen C0950123, MeSH D030342.

Submission:

Ambry Genetics
Classification: Uncertain significance for Inborn genetic diseases. Last evaluated: 2025-07-28. Review status: criteria provided, single submitter. Criteria: Ambry Variant Classification Scheme 2023. Collection method: clinical testing. Allele origin: germline.
Comment: The p.D625V variant (also known as c.1874A>T), located in coding exon 13 of the ERCC6L2 gene, results from an A to T substitution at nucleotide position 1874. The aspartic acid at codon 625 is replaced by valine, an amino acid with highly dissimilar properties. This amino acid position is conserved. In addition, this alteration is predicted to be deleterious by in silico analysis. Based on the available evidence, the clinical significance of this variant remains unclear.